The following is an entry in ClinVar:

NM_006231.4(POLE):c.3269C>G (p.Thr1090Arg)

Gene: POLE (DNA polymerase epsilon, catalytic subunit; minus strand). Cytogenetic location: 12q24.33.
Variant type: single nucleotide variant.
Coding change: c.3269C>G on transcript NM_006231.4 (MANE Select); coding-DNA position 3269, C replaced by G.
Protein change: p.Thr1090Arg; replaces threonine 1090 with arginine.
Molecular consequence: missense variant.
Genome position (GRCh38, 1-based): chr12:132,659,301, G>C on the plus strand (C>G on the coding strand, the complement: POLE is on the minus strand). VCF-style: chr12-132659301-G-C. GRCh37 (hg19) VCF-style: chr12-133235887-G-C.
Other names: short protein forms T1090R.
Identifiers: ClinVar variation 2485172 (VCV002485172.2), dbSNP rs1030360914, ClinGen allele CA387390225.

ClinVar aggregate classification (germline): Uncertain significance (1 of 4 stars; one submission).

Conditions:
Hereditary cancer-predisposing syndrome. Also called: Neoplastic Syndromes, Hereditary; Hereditary neoplastic syndrome; Tumor predisposition; Hereditary Cancer Syndrome. Identifiers: Orphanet 140162, MedGen C0027672, MeSH D009386, MONDO:0015356.

gnomAD v4.1: 2 of 1,613,834 alleles (0.00012%); no homozygotes.

Submission:

Ambry Genetics
Classification: Uncertain significance for Hereditary cancer-predisposing syndrome. Last evaluated: 2022-12-09. Review status: criteria provided, single submitter. Criteria: Ambry Variant Classification Scheme 2023. Collection method: clinical testing. Allele origin: germline.
Comment: The p.T1090R variant (also known as c.3269C>G), located in coding exon 26 of the POLE gene, results from a C to G substitution at nucleotide position 3269. The threonine at codon 1090 is replaced by arginine, an amino acid with similar properties. This amino acid position is conserved. In addition, this alteration is predicted to be deleterious by in silico analysis. Since supporting evidence is limited at this time, the clinical significance of this alteration remains unclear.